The following is an entry in ClinVar:

ClinVar aggregate classification (germline): Uncertain significance. Review status: criteria provided, multiple submitters, no conflicts (2 of 4 stars). 2 submissions from 2 submitters: Uncertain significance (2). Last evaluated 2025-11-09.

Allele frequency attached by ClinVar (database versions not stated): ESP Exome Variant Server 0.00008; gnomAD 0.00009 and 0.00011; ExAC 0.00010; gnomAD exomes 0.00010 and 0.00021; 1000 Genomes Project 30x 0.00016; TOPMed 0.00017; 1000 Genomes Project 0.00020.

Submissions (2):

Labcorp Genetics (formerly Invitae), Labcorp
Classification: Uncertain significance. Last evaluated: 2025-11-09. Review status: criteria provided, single submitter. Criteria: Invitae Variant Classification Sherloc (09022015). Collection method: clinical testing. Allele origin: germline.
Comment: This sequence change replaces methionine, which is neutral and non-polar, with valine, which is neutral and non-polar, at codon 1364 of the A2ML1 protein (p.Met1364Val). This variant is present in population databases (rs34274721, gnomAD 0.02%). This variant has not been reported in the literature in individuals affected with A2ML1-related conditions. ClinVar contains an entry for this variant (Variation ID: 1058411). An algorithm developed to predict the effect of missense changes on protein structure and function (PolyPhen-2) suggests that this variant is likely to be disruptive. In summary, the available evidence is currently insufficient to determine the role of this variant in disease. Therefore, it has been classified as a Variant of Uncertain Significance.

Ambry Genetics
Classification: Uncertain significance. Last evaluated: 2025-11-04. Review status: criteria provided, single submitter. Criteria: Ambry Variant Classification Scheme 2023. Collection method: clinical testing. Allele origin: germline.
Comment: The p.M1364V variant (also known as c.4090A>G), located in coding exon 32 of the A2ML1 gene, results from an A to G substitution at nucleotide position 4090. The methionine at codon 1364 is replaced by valine, an amino acid with highly similar properties. This amino acid position is conserved. In addition, this alteration is predicted to be tolerated by in silico analysis. Since supporting evidence is limited at this time, the clinical significance of this alteration remains unclear.

NM_144670.6(A2ML1):c.4090A>G (p.Met1364Val)

Gene: A2ML1 (alpha-2-macroglobulin like 1; plus strand). Cytogenetic location: 12p13.31.
Variant type: single nucleotide variant.
Coding change: c.4090A>G on transcript NM_144670.6 (MANE Select); coding-DNA position 4090, A replaced by G.
Protein change: p.Met1364Val; replaces methionine 1364 with valine.
Molecular consequence: missense variant.
Genome position (GRCh38, 1-based): chr12:8,868,565, A>G. VCF-style: chr12-8868565-A-G. GRCh37 (hg19) VCF-style: chr12-9021161-A-G.
Other names: c.2617A>G, p.Met873Val (NM_001282424.3); short protein forms M1364V, M873V.
Identifiers: ClinVar variation 1058411 (VCV001058411.10), dbSNP rs34274721, ClinGen allele CA6436594.